The following is an entry in ClinVar:

ClinVar aggregate classification (germline): Uncertain significance (1 of 4 stars; one submission).

Allele frequency attached by ClinVar (database versions not stated): TOPMed 0.00002.

Submission:

GeneDx
Classification: Uncertain significance. Last evaluated: 2016-11-10. Review status: criteria provided, single submitter. Criteria: GeneDx Variant Classification (06012015). Collection method: clinical testing. Allele origin: germline. Affected: yes.
Comment: A variant of unknown significance has been identified in the ADAMTS2 gene. The c.-33 C>T variant has not been published as a pathogenic variant or been reported as a benign variant to our knowledge. Data from control individuals was not available to assess whether c.-33 C>T may be a common benign variant in the general population. Although the c.-33 G>A variant is located in the 5' untranslated region of the ADAMTS2 gene and no other pathogenic variants have been reported in the promotor region of the ADAMTS2 gene (Stenson et al., 2014), it is predicted to create a new cryptic splice donor site and may cause abnormal gene splicing.Therefore, based on the currently available information, it is unclear whether this variant is pathogenic or rare benign

NM_014244.5(ADAMTS2):c.-33C>T

Gene: ADAMTS2 (ADAM metallopeptidase with thrombospondin type 1 motif 2; minus strand). Cytogenetic location: 5q35.3.
Variant type: single nucleotide variant.
Coding change: c.-33C>T on transcript NM_014244.5 (MANE Select); 33 bases upstream of the start codon, C replaced by T.
Molecular consequence: 5 prime UTR variant.
Genome position (GRCh38, 1-based): chr5:179,345,361, G>A on the plus strand (C>T on the coding strand, the complement: ADAMTS2 is on the minus strand). VCF-style: chr5-179345361-G-A. GRCh37 (hg19) VCF-style: chr5-178772362-G-A.
Other names: c.-33C>T (NM_021599.4).
Identifiers: ClinVar variation 390748 (VCV000390748.2), dbSNP rs1057523882, ClinGen allele CA16605347.
Genomic context (GRCh38, chr5:179,345,361, plus strand): 5'-GGCGAGCGGCTCCCGCCGGCGGATCCATGGCAGCCGGACTGCAGCCGGGGCCCCGCACTC[G>A]CAGCCGGCGCGAAAGTTCCCCGCGAGCCGCCCAGCCCACATCTGGGGGCAGCTGGAGCCG-3'